The following is an entry in ClinVar:

ClinVar aggregate classification (germline): Uncertain significance (1 of 4 stars; one submission).

gnomAD v4.1: 4 of 1,544,808 alleles (0.00026%); highest among the groups gnomAD compares: Non-Finnish European, 0.00035%; no homozygotes.

Submission:

Labcorp Genetics (formerly Invitae), Labcorp
Classification: Uncertain significance. Last evaluated: 2020-10-09. Review status: criteria provided, single submitter. Criteria: Invitae Variant Classification Sherloc (09022015). Collection method: clinical testing. Allele origin: germline.
Comment: This sequence change replaces glutamic acid with glutamine at codon 2157 of the EYS protein (p.Glu2157Gln). The glutamic acid residue is highly conserved and there is a small physicochemical difference between glutamic acid and glutamine. This variant is not present in population databases (ExAC no frequency). This variant has not been reported in the literature in individuals with EYS-related conditions. Algorithms developed to predict the effect of missense changes on protein structure and function (SIFT, PolyPhen-2, Align-GVGD) all suggest that this variant is likely to be disruptive, but these predictions have not been confirmed by published functional studies and their clinical significance is uncertain. In summary, the available evidence is currently insufficient to determine the role of this variant in disease. Therefore, it has been classified as a Variant of Uncertain Significance.

NM_001142800.2(EYS):c.6469G>C (p.Glu2157Gln)

Gene: EYS (EGF-like photoreceptor maintenance factor; minus strand). Cytogenetic location: 6q12.
Variant type: single nucleotide variant.
Coding change: c.6469G>C on transcript NM_001142800.2 (MANE Select); coding-DNA position 6469, G replaced by C.
Protein change: p.Glu2157Gln; replaces glutamic acid 2157 with glutamine.
Molecular consequence: missense variant.
Genome position (GRCh38, 1-based): chr6:64,081,958, C>G on the plus strand (G>C on the coding strand, the complement: EYS is on the minus strand). VCF-style: chr6-64081958-C-G. GRCh37 (hg19) VCF-style: chr6-64791851-C-G.
Other names: c.6469G>C, p.Glu2157Gln (NM_001292009.2); short protein forms E2157Q.
Identifiers: ClinVar variation 1058802 (VCV001058802.9), dbSNP rs2149869071, ClinGen allele CA364391016.